The following is an entry in ClinVar:

NM_003995.4(NPR2):c.2653C>G (p.Leu885Val)

Gene: NPR2 (natriuretic peptide receptor 2; plus strand). Cytogenetic location: 9p13.3.
Variant type: single nucleotide variant.
Coding change: c.2653C>G on transcript NM_003995.4 (MANE Select); coding-DNA position 2653, C replaced by G.
Protein change: p.Leu885Val; replaces leucine 885 with valine.
Molecular consequence: missense variant.
Genome position (GRCh38, 1-based): chr9:35,807,339, C>G. VCF-style: chr9-35807339-C-G. GRCh37 (hg19) VCF-style: chr9-35807336-C-G.
Other names: c.2662C>G, p.Leu888Val (NM_001378923.1); short protein forms L885V, L888V.
Identifiers: ClinVar variation 451793 (VCV000451793.2), dbSNP rs1554674374, ClinGen allele CA373381734.

ClinVar aggregate classification (germline): Uncertain significance (1 of 4 stars; one submission).

Allele frequency attached by ClinVar (database versions not stated): TOPMed below 0.00001.

Submission:

GeneDx
Classification: Uncertain significance. Last evaluated: 2017-09-19. Review status: criteria provided, single submitter. Criteria: GeneDx Variant Classification (06012015). Collection method: clinical testing. Allele origin: germline. Affected: yes.
Comment: The L885V variant in the NPR2 gene has not been reported previously as a pathogenic variant, nor as a benign variant, to our knowledge. The L885V variant is not observed in large population cohorts (Lek et al., 2016; 1000 Genomes Consortium et al., 2015; Exome Variant Server). The L885V variant is a conservative amino acid substitution, which is not likely to impact secondary protein structure as these residues share similar properties. This substitution occurs at a position that is conserved across species. In silico analysis predicts this variant is probably damaging to the protein structure/function. We interpret L885V as a variant of uncertain significance.